The following is an entry in ClinVar:

NM_031421.5(ODAD4):c.397+1G>A

Gene: ODAD4 (outer dynein arm docking complex subunit 4; plus strand). Cytogenetic location: 17q21.2.
Variant type: single nucleotide variant.
Coding change: c.397+1G>A on transcript NM_031421.5 (MANE Select); the canonical splice donor site of the intron after coding-DNA position 397, G replaced by A.
Molecular consequence: splice donor variant.
Genome position (GRCh38, 1-based): chr17:41,935,750, G>A. VCF-style: chr17-41935750-G-A. GRCh37 (hg19) VCF-style: chr17-40092003-G-A.
Other names: c.397+1G>A (NM_001350319.2).
Identifiers: ClinVar variation 2631558 (VCV002631558.4), dbSNP rs1555637675, ClinGen allele CA399532258.

ClinVar aggregate classification (germline): Likely pathogenic. Review status: criteria provided, single submitter (1 of 4 stars). 2 submissions from 2 submitters: Likely pathogenic (1). 1 of the submissions does not count toward it. Last evaluated 2025-09-15.

Conditions:
ODAD4-related disorder. Also called: ODAD4-related condition.

Allele frequency attached by ClinVar (database versions not stated): TOPMed 0.00001; gnomAD exomes 0.00001.
gnomAD v4.1: 7 of 1,613,866 alleles (0.00043%); highest among the groups gnomAD compares: Non-Finnish European, 0.00059%; no homozygotes.

Submissions (2):

Mayo Clinic Laboratories, Mayo Clinic
Classification: Likely pathogenic. Last evaluated: 2025-09-15. Review status: criteria provided, single submitter. Criteria: ACMG Guidelines, 2015. Collection method: clinical testing. Allele origin: germline. Observed: 1 variant allele.
Comment: PM2_supporting, PVS1

PreventionGenetics, part of Exact Sciences
Classification: Pathogenic for ODAD4-related condition. Last evaluated: 2024-02-07. Review status: no assertion criteria provided. Collection method: clinical testing. Allele origin: germline. Not counted in ClinVar's aggregate classification.
Comment: The ODAD4 c.397+1G>A variant is predicted to disrupt the GT donor site and interfere with normal splicing. To our knowledge, this variant has not been reported in the literature or in a large population database, indicating this variant is rare. Variants that disrupt the consensus splice donor site in ODAD4 are expected to be pathogenic. This variant is interpreted as pathogenic.